The following is an entry in ClinVar:

NM_017636.4(TRPM4):c.1195_1202del (p.Leu399fs)

Gene: TRPM4 (transient receptor potential cation channel subfamily M member 4; plus strand). Cytogenetic location: 19q13.33.
Variant type: Deletion.
Coding change: c.1195_1202del on transcript NM_017636.4 (MANE Select); coding-DNA positions 1195 to 1202, 8 bases deleted (TTGGCTGT; older notation c.1195_1202delTTGGCTGT).
Protein change: p.Leu399fs; shifts the reading frame from leucine 399.
Molecular consequence: frameshift variant. On other transcripts: 5 prime UTR variant (1), intron variant (1).
Genome position (GRCh38, 1-based): chr19:49,181,393-49,181,400, TTGGCTGT deleted; deleting any 8 consecutive bases within chr19:49,181,391-49,181,400 gives the same sequence; the c. name uses the placement nearest the transcript's 3' end. VCF-style (leftmost placement, unchanged base first): chr19-49181390-CGTTTGGCT-C. GRCh37 (hg19) VCF-style: chr19-49684647-CGTTTGGCT-C.
Other names: c.1195_1202del, p.Leu399fs (NM_001195227.2); c.850_857del, p.Leu284fs (NM_001321281.2); c.-359_-352del (NM_001321282.2); c.673_680del, p.Leu225fs (NM_001321283.2); c.202-1185_202-1178del (NM_001321285.2); c.1195_1202delTTGGCTGT (NM_017636.3); short protein forms L284fs, L225fs, L399fs.
Identifiers: ClinVar variation 2191708 (VCV002191708.5), dbSNP rs780978813, ClinGen allele CA9569119.

ClinVar aggregate classification (germline): Uncertain significance. Review status: criteria provided, multiple submitters, no conflicts (2 of 4 stars). 2 submissions from 2 submitters: Uncertain significance (2). Last evaluated 2025-04-18.

Conditions:
Progressive familial heart block type IB (PFHB1B). Identifiers: Orphanet 871, MedGen C1970298, MONDO:0011474, OMIM 604559.
Cardiovascular phenotype. Identifiers: MedGen CN230736.

Submissions (2):

Ambry Genetics
Classification: Uncertain significance for Cardiovascular phenotype. Last evaluated: 2025-04-18. Review status: criteria provided, single submitter. Criteria: Ambry Variant Classification Scheme 2023. Collection method: clinical testing. Allele origin: germline.
Comment: The c.1195_1202delTTGGCTGT variant, located in coding exon 10 of the TRPM4 gene, results from a deletion of 8 nucleotides at nucleotide positions 1195 to 1202, causing a translational frameshift with a predicted alternate stop codon (p.L399Gfs*11). This variant was reported in a cohort of stillbirths (Sahlin E et al. PLoS One, 2019 Jan;14:e0210017). This alteration is expected to result in protein truncation or nonsense-mediated mRNA decay. However, loss of function of TRPM4 has not been established as a mechanism of disease. Based on the available evidence, the clinical significance of this alteration remains unclear.

Labcorp Genetics (formerly Invitae), Labcorp
Classification: Uncertain significance for Progressive familial heart block type IB. Last evaluated: 2022-08-30. Review status: criteria provided, single submitter. Criteria: Invitae Variant Classification Sherloc (09022015). Collection method: clinical testing. Allele origin: germline.
Comment: This sequence change creates a premature translational stop signal (p.Leu399Glyfs*11) in the TRPM4 gene. It is expected to result in an absent or disrupted protein product. However, the current clinical and genetic evidence is not sufficient to establish whether loss-of-function variants in TRPM4 cause disease. This variant is present in population databases (rs780978813, gnomAD 0.003%). This variant has not been reported in the literature in individuals affected with TRPM4-related conditions. Algorithms developed to predict the effect of sequence changes on RNA splicing suggest that this variant may disrupt the consensus splice site. In summary, the available evidence is currently insufficient to determine the role of this variant in disease. Therefore, it has been classified as a Variant of Uncertain Significance.

Literature cited by the submitters: PubMed 30615648 (cited by Ambry Genetics).